The following is an entry in ClinVar:

NM_001170629.2(CHD8):c.7490A>C (p.His2497Pro)

Gene: CHD8 (chromodomain helicase DNA binding protein 8; minus strand). Cytogenetic location: 14q11.2.
Variant type: single nucleotide variant.
Coding change: c.7490A>C on transcript NM_001170629.2 (MANE Select); coding-DNA position 7490, A replaced by C.
Protein change: p.His2497Pro; replaces histidine 2497 with proline.
Molecular consequence: missense variant.
Genome position (GRCh38, 1-based): chr14:21,385,869, T>G on the plus strand (A>C on the coding strand, the complement: CHD8 is on the minus strand). VCF-style: chr14-21385869-T-G. GRCh37 (hg19) VCF-style: chr14-21854028-T-G.
Other names: c.6653A>C, p.His2218Pro (NM_020920.4); short protein forms H2218P, H2497P.
Identifiers: ClinVar variation 1223593 (VCV001223593.11), dbSNP rs866434305, ClinGen allele CA257584633.

ClinVar aggregate classification (germline): Conflicting classifications of pathogenicity. Review status: criteria provided, conflicting classifications (1 of 4 stars). 3 submissions from 3 submitters: Uncertain significance (2); Likely benign (1). Last evaluated 2026-01-12.

Conditions:
Inborn genetic diseases. Identifiers: MedGen C0950123, MeSH D030342.

Allele frequency attached by ClinVar (database versions not stated): gnomAD exomes 0.00003.

Submissions (3):

Ambry Genetics
Classification: Uncertain significance for Inborn genetic diseases. Last evaluated: 2026-01-12. Review status: criteria provided, single submitter. Criteria: Ambry Variant Classification Scheme 2023. Collection method: clinical testing. Allele origin: germline.
Comment: The c.7490A>C (p.H2497P) alteration is located in exon 37 (coding exon 37) of the CHD8 gene. This alteration results from a A to C substitution at nucleotide position 7490, causing the histidine (H) at amino acid position 2497 to be replaced by a proline (P). Based on data from gnomAD, the C allele has an overall frequency of 0.003% (6/183222) total alleles studied. The highest observed frequency was 0.008% (1/12342) of East Asian alleles. This amino acid position is well conserved in available vertebrate species. The in silico prediction for this alteration is inconclusive. Based on insufficient or conflicting evidence, the clinical significance of this alteration remains unclear.

Labcorp Genetics (formerly Invitae), Labcorp
Classification: Uncertain significance. Last evaluated: 2024-02-08. Review status: criteria provided, single submitter. Criteria: Invitae Variant Classification Sherloc (09022015). Collection method: clinical testing. Allele origin: germline.
Comment: This sequence change replaces histidine, which is basic and polar, with proline, which is neutral and non-polar, at codon 2497 of the CHD8 protein (p.His2497Pro). The frequency data for this variant in the population databases is considered unreliable, as metrics indicate poor data quality at this position in the gnomAD database. This variant has not been reported in the literature in individuals affected with CHD8-related conditions. ClinVar contains an entry for this variant (Variation ID: 1223593). Algorithms developed to predict the effect of missense changes on protein structure and function output the following: SIFT: "Not Available"; PolyPhen-2: "Benign"; Align-GVGD: "Not Available". The proline amino acid residue is found in multiple mammalian species, which suggests that this missense change does not adversely affect protein function. In summary, the available evidence is currently insufficient to determine the role of this variant in disease. Therefore, it has been classified as a Variant of Uncertain Significance.

GeneDx
Classification: Likely benign. Last evaluated: 2020-01-21. Review status: criteria provided, single submitter. Criteria: GeneDx Variant Classification Process June 2021. Collection method: clinical testing. Allele origin: germline. Affected: yes.
Comment: This variant is associated with the following publications: (PMID: 31624253)